The following is an entry in ClinVar:

NM_080680.3(COL11A2):c.2746G>C (p.Gly916Arg)

Gene: COL11A2 (collagen type XI alpha 2 chain; minus strand). Cytogenetic location: 6p21.32.
Variant type: single nucleotide variant.
Coding change: c.2746G>C on transcript NM_080680.3 (MANE Select); coding-DNA position 2746, G replaced by C.
Protein change: p.Gly916Arg; replaces glycine 916 with arginine.
Molecular consequence: missense variant.
Genome position (GRCh38, 1-based): chr6:33,173,104, C>G on the plus strand (G>C on the coding strand, the complement: COL11A2 is on the minus strand). VCF-style: chr6-33173104-C-G. GRCh37 (hg19) VCF-style: chr6-33140881-C-G.
Other names: c.2425G>C, p.Gly809Arg (NM_080679.3); c.2488G>C, p.Gly830Arg (NM_080681.3); short protein forms G809R, G830R, G916R.
Identifiers: ClinVar variation 2127426 (VCV002127426.4), dbSNP rs2534917706, ClinGen allele CA363640464.

ClinVar aggregate classification (germline): Uncertain significance (1 of 4 stars; one submission).

Submission:

Labcorp Genetics (formerly Invitae), Labcorp
Classification: Uncertain significance. Last evaluated: 2022-09-19. Review status: criteria provided, single submitter. Criteria: Invitae Variant Classification Sherloc (09022015). Collection method: clinical testing. Allele origin: germline.
Comment: Advanced modeling of protein sequence and biophysical properties (such as structural, functional, and spatial information, amino acid conservation, physicochemical variation, residue mobility, and thermodynamic stability) performed at Invitae indicates that this missense variant is expected to disrupt COL11A2 protein function. In summary, the available evidence is currently insufficient to determine the role of this variant in disease. Therefore, it has been classified as a Variant of Uncertain Significance. This sequence change replaces glycine, which is neutral and non-polar, with arginine, which is basic and polar, at codon 916 of the COL11A2 protein (p.Gly916Arg). This variant is not present in population databases (gnomAD no frequency). This variant has not been reported in the literature in individuals affected with COL11A2-related conditions.